The following is an entry in ClinVar:

NM_001330360.2(POLA1):c.3209C>T (p.Ser1070Leu)

Gene: POLA1 (DNA polymerase alpha 1, catalytic subunit; plus strand). Cytogenetic location: Xp22.11.
Variant type: single nucleotide variant.
Coding change: c.3209C>T on transcript NM_001330360.2 (MANE Select); coding-DNA position 3209, C replaced by T.
Protein change: p.Ser1070Leu; replaces serine 1070 with leucine.
Molecular consequence: missense variant. On other transcripts: non-coding transcript variant (2).
Genome position (GRCh38, 1-based): chrX:24,812,776, C>T. VCF-style: chrX-24812776-C-T. GRCh37 (hg19) VCF-style: chrX-24830893-C-T.
Other names: c.3134C>T, p.Ser1045Leu (NM_001378303.1); c.3191C>T, p.Ser1064Leu (NM_016937.4); c.3191C>T (NM_016937.3); short protein forms S1070L, S1064L, S1045L.
Identifiers: ClinVar variation 1382154 (VCV001382154.9), dbSNP rs1448974914, ClinGen allele CA412525420.

ClinVar aggregate classification (germline): Uncertain significance. Review status: criteria provided, multiple submitters, no conflicts (2 of 4 stars). 2 submissions from 2 submitters: Uncertain significance (2). Last evaluated 2026-05-10.

Conditions:
Inborn genetic diseases. Identifiers: MedGen C0950123, MeSH D030342.

Allele frequency attached by ClinVar (database versions not stated): gnomAD exomes 0.00001 and below 0.00001.
gnomAD v4.1: 5 of 1,204,557 alleles (0.00042%); highest among the groups gnomAD compares: African/African-American, 0.0035%; no homozygotes.

Submissions (2):

Ambry Genetics
Classification: Uncertain significance for Inborn genetic diseases. Last evaluated: 2026-05-10. Review status: criteria provided, single submitter. Criteria: Ambry Variant Classification Scheme 2023. Collection method: clinical testing. Allele origin: germline.

Labcorp Genetics (formerly Invitae), Labcorp
Classification: Uncertain significance. Last evaluated: 2023-09-01. Review status: criteria provided, single submitter. Criteria: Invitae Variant Classification Sherloc (09022015). Collection method: clinical testing. Allele origin: germline.
Comment: This sequence change replaces serine, which is neutral and polar, with leucine, which is neutral and non-polar, at codon 1064 of the POLA1 protein (p.Ser1064Leu). This variant is present in population databases (no rsID available, gnomAD 0.001%), including at least one homozygous and/or hemizygous individual. This variant has not been reported in the literature in individuals affected with POLA1-related conditions. ClinVar contains an entry for this variant (Variation ID: 1382154). Advanced modeling of protein sequence and biophysical properties (such as structural, functional, and spatial information, amino acid conservation, physicochemical variation, residue mobility, and thermodynamic stability) performed at Invitae indicates that this missense variant is not expected to disrupt POLA1 protein function. In summary, the available evidence is currently insufficient to determine the role of this variant in disease. Therefore, it has been classified as a Variant of Uncertain Significance.